The following is an entry in ClinVar:

ClinVar aggregate classification (germline): Uncertain significance (1 of 4 stars; one submission).

Conditions:
Cataract 33. Also called: CATARACT 33, CORTICAL. Identifiers: Orphanet 91492, MedGen C3808107, MONDO:0012665, OMIM 611391.

Submission:

Labcorp Genetics (formerly Invitae), Labcorp
Classification: Uncertain significance for Cataract 33. Last evaluated: 2024-03-18. Review status: criteria provided, single submitter. Criteria: Invitae Variant Classification Sherloc (09022015). Collection method: clinical testing. Allele origin: germline.
Comment: This sequence change replaces alanine, which is neutral and non-polar, with valine, which is neutral and non-polar, at codon 42 of the BFSP1 protein (p.Ala42Val). The frequency data for this variant in the population databases is considered unreliable, as metrics indicate poor data quality at this position in the gnomAD database. This variant has not been reported in the literature in individuals affected with BFSP1-related conditions. Advanced modeling of protein sequence and biophysical properties (such as structural, functional, and spatial information, amino acid conservation, physicochemical variation, residue mobility, and thermodynamic stability) performed at Invitae indicates that this missense variant is not expected to disrupt BFSP1 protein function with a negative predictive value of 80%. In summary, the available evidence is currently insufficient to determine the role of this variant in disease. Therefore, it has been classified as a Variant of Uncertain Significance.

NM_001195.5(BFSP1):c.125C>T (p.Ala42Val)

Gene: BFSP1 (beaded filament structural protein 1; minus strand). Cytogenetic location: 20p12.1.
Variant type: single nucleotide variant.
Coding change: c.125C>T on transcript NM_001195.5 (MANE Select); coding-DNA position 125, C replaced by T.
Protein change: p.Ala42Val; replaces alanine 42 with valine.
Molecular consequence: missense variant. On other transcripts: intron variant (4).
Genome position (GRCh38, 1-based): chr20:17,531,205, G>A on the plus strand (C>T on the coding strand, the complement: BFSP1 is on the minus strand). VCF-style: chr20-17531205-G-A. GRCh37 (hg19) VCF-style: chr20-17511850-G-A.
Other names: c.125C>T, p.Ala42Val (NM_001424338.1); c.-40-6297C>T (NM_001278608.2, NM_001278606.2); c.45-6297C>T (NM_001278607.2); c.3-6297C>T (NM_001161705.2); short protein forms A42V.
Identifiers: ClinVar variation 3665755 (VCV003665755.2).